The following is an entry in ClinVar:

ClinVar aggregate classification (germline): Uncertain significance (1 of 4 stars; one submission).

gnomAD v4.1: 6 of 1,613,980 alleles (0.00037%); highest among the groups gnomAD compares: Non-Finnish European, 0.00051%; no homozygotes.

Submission:

Labcorp Genetics (formerly Invitae), Labcorp
Classification: Uncertain significance. Last evaluated: 2025-01-14. Review status: criteria provided, single submitter. Criteria: Invitae Variant Classification Sherloc (09022015). Collection method: clinical testing. Allele origin: germline.
Comment: This sequence change replaces methionine, which is neutral and non-polar, with isoleucine, which is neutral and non-polar, at codon 357 of the LHCGR protein (p.Met357Ile). This variant is present in population databases (rs753949731, gnomAD 0.002%). This variant has not been reported in the literature in individuals affected with LHCGR-related conditions. Invitae Evidence Modeling of protein sequence and biophysical properties (such as structural, functional, and spatial information, amino acid conservation, physicochemical variation, residue mobility, and thermodynamic stability) indicates that this missense variant is not expected to disrupt LHCGR protein function with a negative predictive value of 80%. In summary, the available evidence is currently insufficient to determine the role of this variant in disease. Therefore, it has been classified as a Variant of Uncertain Significance.

NM_000233.4(LHCGR):c.1071G>A (p.Met357Ile)

Genes: LHCGR (luteinizing hormone/choriogonadotropin receptor; minus strand), STON1-GTF2A1L (STON1-GTF2A1L readthrough; plus strand). Cytogenetic location: 2p16.3.
Variant type: single nucleotide variant.
Coding change: c.1071G>A on transcript NM_000233.4 (MANE Select); coding-DNA position 1071, G replaced by A.
Protein change: p.Met357Ile; replaces methionine 357 with isoleucine.
Molecular consequence: missense variant. On other transcripts: intron variant (1).
Genome position (GRCh38, 1-based): chr2:48,688,726, C>T on the plus strand (G>A on the coding strand, the complement: LHCGR is on the minus strand). VCF-style: chr2-48688726-C-T. GRCh37 (hg19) VCF-style: chr2-48915865-C-T.
Other names: c.3441+17046C>T (NM_001198593.2); short protein forms M357I.
Identifiers: ClinVar variation 3632353 (VCV003632353.2).